The following is an entry in ClinVar:

ClinVar aggregate classification (germline): Likely benign (0 of 4 stars; one submission).

Conditions:
HIVEP3-related disorder. Also called: HIVEP3-related condition.

Allele frequency attached by ClinVar (database versions not stated): 1000 Genomes Project 30x 0.00031; ExAC 0.00037; 1000 Genomes Project 0.00040; gnomAD 0.00117; TOPMed 0.00131; ESP Exome Variant Server 0.00169.
gnomAD v4.1: 314 of 1,613,910 alleles (0.019%); highest among the groups gnomAD compares: African/African-American, 0.37%; 1 homozygote.

Submission:

PreventionGenetics, part of Exact Sciences
Classification: Likely benign for HIVEP3-related condition. Last evaluated: 2020-09-29. Review status: no assertion criteria provided. Collection method: clinical testing. Allele origin: germline.
Comment: This variant is classified as likely benign based on ACMG/AMP sequence variant interpretation guidelines (Richards et al. 2015 PMID: 25741868, with internal and published modifications).

NM_024503.5(HIVEP3):c.469C>A (p.Leu157Ile)

Gene: HIVEP3 (HIVEP zinc finger 3; minus strand). Cytogenetic location: 1p34.2.
Variant type: single nucleotide variant.
Coding change: c.469C>A on transcript NM_024503.5 (MANE Select); coding-DNA position 469, C replaced by A.
Protein change: p.Leu157Ile; replaces leucine 157 with isoleucine.
Molecular consequence: missense variant.
Genome position (GRCh38, 1-based): chr1:41,584,329, G>T on the plus strand (C>A on the coding strand, the complement: HIVEP3 is on the minus strand). VCF-style: chr1-41584329-G-T. GRCh37 (hg19) VCF-style: chr1-42050000-G-T.
Other names: c.469C>A, p.Leu157Ile (NM_001127714.3); short protein forms L157I.
Identifiers: ClinVar variation 3048349 (VCV003048349.2), dbSNP rs140848637, ClinGen allele CA798404.